The following is an entry in ClinVar:

NM_000138.5(FBN1):c.7968G>A (p.Gln2656=)

Gene: FBN1 (fibrillin 1; minus strand). Cytogenetic location: 15q21.1.
Variant type: single nucleotide variant.
Coding change: c.7968G>A on transcript NM_000138.5 (MANE Select); coding-DNA position 7968, G replaced by A.
Protein change: p.Gln2656=; no amino-acid change (glutamine 2656 retained).
Molecular consequence: synonymous variant.
Genome position (GRCh38, 1-based): chr15:48,415,619, C>T on the plus strand (G>A on the coding strand, the complement: FBN1 is on the minus strand). VCF-style: chr15-48415619-C-T. GRCh37 (hg19) VCF-style: chr15-48707816-C-T.
Identifiers: ClinVar variation 517900 (VCV000517900.8), dbSNP rs753203216, ClinGen allele CA059390.

ClinVar aggregate classification (germline): Likely benign. Review status: criteria provided, multiple submitters, no conflicts (2 of 4 stars). 2 submissions from 2 submitters: Likely benign (2). Last evaluated 2021-09-26.

Conditions:
Familial thoracic aortic aneurysm and aortic dissection (TAAD). Also called: Thoracic aortic aneurysms and dissections. Identifiers: Orphanet 91387, MedGen C4707243, MONDO:0019625.
Marfan syndrome (MFS). Also called: Marfan syndrome type 1; Marfan syndrome, classic; Marfan's syndrome; FBN1-Related Marfan Syndrome; MARFAN SYNDROME, TYPE I. Identifiers: Orphanet 284963, Orphanet 558, MedGen C0024796, MONDO:0007947, OMIM 154700.

Allele frequency attached by ClinVar (database versions not stated): TOPMed 0.00001; gnomAD exomes 0.00001; ExAC 0.00002.
gnomAD v4.1: 3 of 1,614,240 alleles (0.00019%); highest among the groups gnomAD compares: Non-Finnish European, 0.00025%; no homozygotes.

Submissions (2):

Labcorp Genetics (formerly Invitae), Labcorp
Classification: Likely benign for Marfan syndrome; Familial thoracic aortic aneurysm and aortic dissection. Last evaluated: 2021-09-26. Review status: criteria provided, single submitter. Criteria: Invitae Variant Classification Sherloc (09022015). Collection method: clinical testing. Allele origin: germline.

GeneDx
Classification: Likely benign. Last evaluated: 2017-05-30. Review status: criteria provided, single submitter. Criteria: GeneDx Variant Classification (06012015). Collection method: clinical testing. Allele origin: germline. Affected: yes.
Comment: This variant is considered likely benign or benign based on one or more of the following criteria: it is a conservative change, it occurs at a poorly conserved position in the protein, it is predicted to be benign by multiple in silico algorithms, and/or has population frequency not consistent with disease.